The following is an entry in ClinVar:

NM_007126.5(VCP):c.1863C>T (p.Gly621=)

Gene: VCP (valosin containing protein; minus strand). Cytogenetic location: 9p13.3.
Variant type: single nucleotide variant.
Coding change: c.1863C>T on transcript NM_007126.5 (MANE Select); coding-DNA position 1863, C replaced by T.
Protein change: p.Gly621=; no amino-acid change (glycine 621 retained).
Molecular consequence: synonymous variant.
Genome position (GRCh38, 1-based): chr9:35,059,634, G>A on the plus strand (C>T on the coding strand, the complement: VCP is on the minus strand). VCF-style: chr9-35059634-G-A. GRCh37 (hg19) VCF-style: chr9-35059631-G-A.
Other names: c.1728C>T, p.Gly576= (NM_001354927.2, NM_001354928.2).
Identifiers: ClinVar variation 593323 (VCV000593323.40), dbSNP rs376510669, ClinGen allele CA5039174.

ClinVar aggregate classification (germline): Conflicting classifications of pathogenicity. Review status: criteria provided, conflicting classifications (1 of 4 stars). 5 submissions from 5 submitters: Uncertain significance (1); Likely benign (4). Last evaluated 2025-10-19.

Conditions:
Frontotemporal dementia and/or amyotrophic lateral sclerosis 6 (FTDALS6). Also called: VCP-Related Amyotrophic Lateral Sclerosis/Frontotemporal Dementia; VCP-Related Amyotrophic Lateral Sclerosis. Identifiers: Orphanet 275872, Orphanet 803, MedGen C5436279, MONDO:0013501, OMIM 613954.
Inclusion body myopathy with Paget disease of bone and frontotemporal dementia. Also called: Inclusion body myopathy with early-onset Paget disease and frontotemporal dementia. Identifiers: Orphanet 52430, MedGen C1833662, MONDO:0000507.
VCP-related disorder. Also called: VCP-related disorders; VCP-related condition.
Inborn genetic diseases. Identifiers: MedGen C0950123, MeSH D030342.

Allele frequency attached by ClinVar (database versions not stated): gnomAD 0.00002 and 0.00003; ExAC 0.00004; gnomAD exomes 0.00004 and 0.00007; TOPMed 0.00005; ESP Exome Variant Server 0.00008.
gnomAD v4.1: 114 of 1,614,122 alleles (0.0071%); highest among the groups gnomAD compares: Middle Eastern, 0.016%; no homozygotes.

Submissions (5):

Labcorp Genetics (formerly Invitae), Labcorp
Classification: Likely benign for Inclusion body myopathy with Paget disease of bone and frontotemporal dementia; Frontotemporal dementia and/or amyotrophic lateral sclerosis 6. Last evaluated: 2025-10-19. Review status: criteria provided, single submitter. Criteria: Invitae Variant Classification Sherloc (09022015). Collection method: clinical testing. Allele origin: germline.

PreventionGenetics, part of Exact Sciences
Classification: Likely benign for VCP-related condition. Last evaluated: 2024-11-20. Review status: criteria provided, single submitter. Criteria: ACMG Guidelines, 2015. Collection method: clinical testing. Allele origin: germline.
Comment: This variant is classified as likely benign based on ACMG/AMP sequence variant interpretation guidelines (Richards et al. 2015 PMID: 25741868, with internal and published modifications).

CeGaT Center for Human Genetics Tuebingen
Classification: Likely benign. Last evaluated: 2022-09-01. Review status: criteria provided, single submitter. Criteria: CeGaT Center For Human Genetics Tuebingen Variant Classification Criteria Version 2. Collection method: clinical testing. Allele origin: germline. Affected: yes. Observed: 1 variant allele.
Comment: VCP: BP4, BP7

Ambry Genetics
Classification: Likely benign for Inborn genetic diseases. Last evaluated: 2019-07-11. Review status: criteria provided, single submitter. Criteria: Ambry Variant Classification Scheme 2023. Collection method: clinical testing. Allele origin: germline.

Eurofins Ntd Llc (ga)
Classification: Uncertain significance. Last evaluated: 2017-07-31. Review status: criteria provided, single submitter. Criteria: EGL Classification Definitions 2015. Collection method: clinical testing. Allele origin: germline. Observed: 1 variant allele, 1 heterozygote.